The following is an entry in ClinVar:

ClinVar aggregate classification (germline): Benign (1 of 4 stars; one submission).

Allele frequency attached by ClinVar (database versions not stated): 1000 Genomes Project 0.84285; 1000 Genomes Project 30x 0.84525; gnomAD 0.84550 and 0.84807; TOPMed 0.84773.
gnomAD v4.1: 128,367 of 151,886 alleles (85%); highest among the groups gnomAD compares: African/African-American, 92%; 54,431 homozygotes.

Submission:

GeneDx
Classification: Benign. Last evaluated: 2018-06-14. Review status: criteria provided, single submitter. Criteria: GeneDx Variant Classification (06012015). Collection method: clinical testing. Allele origin: germline. Affected: yes.
Comment: This variant is considered likely benign or benign based on one or more of the following criteria: it is a conservative change, it occurs at a poorly conserved position in the protein, it is predicted to be benign by multiple in silico algorithms, and/or has population frequency not consistent with disease.

NM_014845.6(FIG4):c.2097-243A>C

Gene: FIG4 (FIG4 phosphoinositide 5-phosphatase; plus strand). Cytogenetic location: 6q21.
Variant type: single nucleotide variant.
Coding change: c.2097-243A>C on transcript NM_014845.6 (MANE Select); 243 bases into the intron before coding-DNA position 2097, A replaced by C.
Molecular consequence: intron variant.
Genome position (GRCh38, 1-based): chr6:109,789,351, A>C. VCF-style: chr6-109789351-A-C. GRCh37 (hg19) VCF-style: chr6-110110554-A-C.
Identifiers: ClinVar variation 680184 (VCV000680184.1), dbSNP rs9386845, ClinGen allele CA12302862.